The following is an entry in ClinVar:

NM_022114.4(PRDM16):c.1513C>T (p.Pro505Ser)

Gene: PRDM16 (PR/SET domain 16; plus strand). Cytogenetic location: 1p36.32.
Variant type: single nucleotide variant.
Coding change: c.1513C>T on transcript NM_022114.4 (MANE Select); coding-DNA position 1513, C replaced by T.
Protein change: p.Pro505Ser; replaces proline 505 with serine.
Molecular consequence: missense variant.
Genome position (GRCh38, 1-based): chr1:3,411,710, C>T. VCF-style: chr1-3411710-C-T. GRCh37 (hg19) VCF-style: chr1-3328274-C-T.
Other names: c.1513C>T (NM_022114.3); c.1513C>T, p.Pro505Ser (NM_199454.3); short protein forms P505S.
Identifiers: ClinVar variation 2739175 (VCV002739175.4), dbSNP rs780880344, ClinGen allele CA544211.
Genomic context (GRCh38, chr1:3,411,710, plus strand): 5'-TTCAACGAGTACTTTCCCTCCAGGCCGCACCCGGGGAGCCTGCCCTTCTCCACGGCGCCT[C>T]CCACGTTCCCCGCACTCACCCCCGGCTTCCCGGGCATCTTCCCTCCATCCTTGTACCCCC-3'
Protein context (NP_071397.3, residues 495-515): PGSLPFSTAP[Pro505Ser]TFPALTPGFP

ClinVar aggregate classification (germline): Uncertain significance. Review status: criteria provided, multiple submitters, no conflicts (2 of 4 stars). 2 submissions from 2 submitters: Uncertain significance (2). Last evaluated 2023-11-03.

Conditions:
Left ventricular noncompaction 8 (LVNC8). Identifiers: Orphanet 154, Orphanet 54260, MedGen C3809288, MONDO:0014152, OMIM 615373.

Allele frequency attached by ClinVar (database versions not stated): ExAC 0.00001; gnomAD exomes 0.00001; gnomAD 0.00002; TOPMed 0.00003.
gnomAD v4.1: 11 of 1,610,396 alleles (0.00068%); highest among the groups gnomAD compares: East Asian, 0.018%; no homozygotes.

Submissions (2):

GeneDx
Classification: Uncertain significance. Last evaluated: 2023-11-03. Review status: criteria provided, single submitter. Criteria: GeneDx Variant Classification Process June 2021. Collection method: clinical testing. Allele origin: germline. Affected: yes.
Comment: Not observed at significant frequency in large population cohorts (gnomAD); In silico analysis supports that this missense variant has a deleterious effect on protein structure/function; Has not been previously published as pathogenic or benign to our knowledge

Labcorp Genetics (formerly Invitae), Labcorp
Classification: Uncertain significance for Left ventricular noncompaction 8. Last evaluated: 2023-01-02. Review status: criteria provided, single submitter. Criteria: Invitae Variant Classification Sherloc (09022015). Collection method: clinical testing. Allele origin: germline.
Comment: This sequence change replaces proline, which is neutral and non-polar, with serine, which is neutral and polar, at codon 505 of the PRDM16 protein (p.Pro505Ser). This variant is present in population databases (rs780880344, gnomAD 0.03%). In summary, the available evidence is currently insufficient to determine the role of this variant in disease. Therefore, it has been classified as a Variant of Uncertain Significance. Algorithms developed to predict the effect of missense changes on protein structure and function are either unavailable or do not agree on the potential impact of this missense change (SIFT: "Deleterious"; PolyPhen-2: "Benign"; Align-GVGD: "Class C0"). This variant has not been reported in the literature in individuals affected with PRDM16-related conditions.